The following is an entry in ClinVar:

ClinVar aggregate classification (germline): Uncertain significance. Review status: criteria provided, multiple submitters, no conflicts (2 of 4 stars). 3 submissions from 3 submitters: Uncertain significance (3). Last evaluated 2025-10-20.

Conditions:
Familial thoracic aortic aneurysm and aortic dissection (TAAD). Also called: Thoracic aortic aneurysms and dissections. Identifiers: Orphanet 91387, MedGen C4707243, MONDO:0019625.
Marfan syndrome (MFS). Also called: Marfan syndrome, classic; Marfan syndrome type 1; Marfan's syndrome; FBN1-Related Marfan Syndrome; MARFAN SYNDROME, TYPE I. Identifiers: Orphanet 284963, Orphanet 558, MedGen C0024796, MONDO:0007947, OMIM 154700.

Allele frequency attached by ClinVar (database versions not stated): TOPMed 0.00001.

Submissions (3):

Color Diagnostics, LLC DBA Color Health
Classification: Uncertain significance for Familial thoracic aortic aneurysm and aortic dissection. Last evaluated: 2025-10-20. Review status: criteria provided, single submitter. Criteria: ACMG Guidelines, 2015. Collection method: clinical testing. Allele origin: germline.
Comment: This missense variant replaces glutamic acid with aspartic acid at codon 281 of the FBN1 protein. Computational prediction suggests that this variant may not impact protein structure and function. To our knowledge, functional studies have not been reported for this variant. This variant has not been reported in individuals affected with FBN1-related disorders in the literature. This variant has been identified in 1/251486 chromosomes in the general population by the Genome Aggregation Database (gnomAD). The available evidence is insufficient to determine the role of this variant in disease conclusively. Therefore, this variant is classified as a Variant of Uncertain Significance.

Labcorp Genetics (formerly Invitae), Labcorp
Classification: Uncertain significance for Marfan syndrome; Familial thoracic aortic aneurysm and aortic dissection. Last evaluated: 2024-11-25. Review status: criteria provided, single submitter. Criteria: Invitae Variant Classification Sherloc (09022015). Collection method: clinical testing. Allele origin: germline.
Comment: This sequence change replaces glutamic acid, which is acidic and polar, with aspartic acid, which is acidic and polar, at codon 281 of the FBN1 protein (p.Glu281Asp). This variant is present in population databases (no rsID available, gnomAD 0.0009%). This variant has not been reported in the literature in individuals affected with FBN1-related conditions. ClinVar contains an entry for this variant (Variation ID: 942009). Invitae Evidence Modeling of protein sequence and biophysical properties (such as structural, functional, and spatial information, amino acid conservation, physicochemical variation, residue mobility, and thermodynamic stability) indicates that this missense variant is not expected to disrupt FBN1 protein function with a negative predictive value of 95%. In summary, the available evidence is currently insufficient to determine the role of this variant in disease. Therefore, it has been classified as a Variant of Uncertain Significance.

Ambry Genetics
Classification: Uncertain significance for Familial thoracic aortic aneurysm and aortic dissection. Last evaluated: 2021-03-31. Review status: criteria provided, single submitter. Criteria: Ambry Variant Classification Scheme 2023. Collection method: clinical testing. Allele origin: germline.
Comment: The p.E281D variant (also known as c.843A>T), located in coding exon 7 of the FBN1 gene, results from an A to T substitution at nucleotide position 843. The glutamic acid at codon 281 is replaced by aspartic acid, an amino acid with highly similar properties, and is located in the cbEGF-like #01 domain. This amino acid position is well conserved in available vertebrate species; however, aspartic acid is the reference amino acid in other vertebrate species. In addition, this alteration is predicted to be tolerated by in silico analysis. Since supporting evidence is limited at this time, the clinical significance of this alteration remains unclear.

NM_000138.5(FBN1):c.843A>T (p.Glu281Asp)

Gene: FBN1 (fibrillin 1; minus strand). Cytogenetic location: 15q21.1.
Variant type: single nucleotide variant.
Coding change: c.843A>T on transcript NM_000138.5 (MANE Select); coding-DNA position 843, A replaced by T.
Protein change: p.Glu281Asp; replaces glutamic acid 281 with aspartic acid.
Molecular consequence: missense variant.
Genome position (GRCh38, 1-based): chr15:48,534,099, T>A on the plus strand (A>T on the coding strand, the complement: FBN1 is on the minus strand). VCF-style: chr15-48534099-T-A. GRCh37 (hg19) VCF-style: chr15-48826296-T-A.
Other names: short protein forms E281D.
Identifiers: ClinVar variation 942009 (VCV000942009.14), dbSNP rs772218768, ClinGen allele CA392352332.